The following is an entry in ClinVar:

ClinVar aggregate classification (germline): Pathogenic/Likely pathogenic. Review status: criteria provided, multiple submitters, no conflicts (2 of 4 stars). 19 submissions from 17 submitters: Pathogenic (13); Likely pathogenic (4). 2 of the submissions do not count toward it. Last evaluated 2026-07-24.

Conditions:
CFTR-related disorder (CFTR-RD). Also called: CFTR-related condition; CFTR-related disorders. Identifiers: MedGen C5924204, MONDO:7770004.
Cystic fibrosis (CF). Also called: MUCOVISCIDOSIS. Identifiers: Orphanet 586, MedGen C0010674, MONDO:0009061, OMIM 219700. Disease mechanism: loss of function.
Congenital bilateral aplasia of vas deferens from CFTR mutation (CBAVD). Identifiers: Orphanet 48, MedGen C0403814, MONDO:0010178, OMIM 277180. Disease mechanism: loss of function.
Hereditary pancreatitis (PCTT). Also called: PRSS1-Related Hereditary Pancreatitis; Hereditary chronic pancreatitis. Identifiers: Orphanet 676, MedGen C0238339, MONDO:0008185, OMIM 167800.
Bronchiectasis with or without elevated sweat chloride 1 (BESC1). Also called: Cystic Fibrosis-Like Syndrome. Identifiers: Orphanet 60033, MedGen C2749757, MONDO:0008887, OMIM 211400.

Allele frequency attached by ClinVar (database versions not stated): TOPMed below 0.00001; gnomAD 0.00001; gnomAD exomes 0.00001 and 0.00003; ExAC 0.00003; 1000 Genomes Project 0.00040; 1000 Genomes Project 30x 0.00047.
gnomAD v4.1: 14 of 1,592,664 alleles (0.00088%); highest among the groups gnomAD compares: Admixed American, 0.011%; no homozygotes.

Submissions 1 to 9 of 19:

PreventionGenetics, part of Exact Sciences
Classification: Likely pathogenic for CFTR-related condition. Last evaluated: 2026-07-24. Review status: criteria provided, single submitter. Criteria: ACMG Guidelines, 2015. Collection method: clinical testing. Allele origin: germline.
Comment: The CFTR c.1841A>G variant is predicted to result in the amino acid substitution p.Asp614Gly. This variant has been reported in individuals with an indeterminate cystic fibrosis phenotype (Supplementary Table 2, Sosnay et al. 2013. PubMed ID: 23974870; Masica et al. 2014. PubMed ID: 25489051) and in an individual with congenital bilateral absence of the vas deferens (CBAVD, Amato et al. 2011. PubMed ID: 22020151). This variant was also reported in the compound heterozygous state with the F508del variant in three siblings with late-diagnosed mild cystic fibrosis, however one sibling had severe symptoms while the other two had a milder disease course (Castaldo et al. 2006. PubMed ID: 16478680). This variant is reported in 0.014% of alleles in individuals of Latino descent in gnomAD. Taken together, this variant is interpreted as likely pathogenic.

Dasa
Classification: Pathogenic for cystic fibrosis. Last evaluated: 2026-02-25. Review status: criteria provided, single submitter. Criteria: DASA Assertion Criteria. Collection method: clinical testing. Allele origin: germline.
Comment: NM_000492.4(CFTR):c.1841A>G (p.Asp614Gly) is a missense variant that results in the substitution of aspartic acid with glycine. Segregation data support an association with disease in the reported family/families (PMID: 16478680; PMID: 9736778; PMID: 33468668; PMID: 35418593; PMID: 30996306). This variant has been recurrently observed in individuals with CFTR-related disorders (PMID: 16478680; PMID: 9736778; PMID: 33468668; PMID: 35418593; PMID: 30996306). Functional evidence supports an impact on the gene or gene product (PMID: 16478680; PMID: 9736778; PMID: 33468668; PMID: 35418593; PMID: 30996306). Also, this variant is rare in population databases. Computational evidence supports a deleterious effect. Based on the currently available evidence, this variant is classified as pathogenic.

Otogenetics
Classification: Pathogenic for Cystic fibrosis; Congenital bilateral aplasia of vas deferens from CFTR mutation. Last evaluated: 2026-02-02. Review status: criteria provided, single submitter. Criteria: ACMG Guidelines, 2015. Collection method: clinical testing. Allele origin: germline.
Comment: PS3_Supporting: Well-established in vitro and in vivo functional studies supportive of damaging effect on the gene product, with low residual enzymatic activity relative to wild-type reported (PMID: 9822639, 23974870); PM2: Maximum gnomAD MAF of 0.0139% in American (AMR) subpopulation (<0.296% threshold); PM3_VeryStrong: Variant reported in trans with 5 pathogenic variants in 10 individuals affected with cystic fibrosis and CF-related disorders (PMID: 12454843, 16478680, 25910067); PP3: In-silico models predict deleterious effect (Revel = 0.94, BayesDel = 0.48)

Labcorp Genetics (formerly Invitae), Labcorp
Classification: Pathogenic for Cystic fibrosis. Last evaluated: 2026-01-13. Review status: criteria provided, single submitter. Criteria: Invitae Variant Classification Sherloc (09022015). Collection method: clinical testing. Allele origin: germline.
Comment: This sequence change replaces aspartic acid, which is acidic and polar, with glycine, which is neutral and non-polar, at codon 614 of the CFTR protein (p.Asp614Gly). This variant is present in population databases (rs201124247, gnomAD 0.01%). This missense change has been observed in individual(s) with congenital absence of vas deferens and/or cystic fibrosis (PMID: 12454843, 16478680, 17413420, 21679131). ClinVar contains an entry for this variant (Variation ID: 53403). Invitae Evidence Modeling of protein sequence and biophysical properties (such as structural, functional, and spatial information, amino acid conservation, physicochemical variation, residue mobility, and thermodynamic stability) indicates that this missense variant is expected to disrupt CFTR protein function with a positive predictive value of 80%. Experimental studies have shown that this missense change affects CFTR function (PMID: 9736778). For these reasons, this variant has been classified as Pathogenic.

Natera, Inc.
Classification: Pathogenic for CFTR-related disorders. Last evaluated: 2025-10-21. Review status: criteria provided, single submitter. Criteria: Natera Variant Classification Schema (03/2026). Collection method: clinical testing. Allele origin: germline.
Comment: The c.1841A>G variant in CFTR is a missense variant predicted to cause substitution of aspartic acid to glycine at amino acid 614. This variant is rare in the general population with a frequency below the threshold expected for the associated phenotype(s). This variant has been observed in one or more individuals affected with the associated recessive disease, as either homozygous or compound heterozygous with a second variant (PMID: 30577776, 30888834). Additionally, this variant has been observed to segregate in affected family members (PMID: 30577776). Computational prediction algorithms indicate this variant is likely to affect gene or protein function. Given the available evidence, this variant is classified as Pathogenic.

GeneDx
Classification: Likely pathogenic. Last evaluated: 2024-07-11. Review status: criteria provided, single submitter. Criteria: GeneDx Variant Classification Process June 2021. Collection method: clinical testing. Allele origin: germline. Affected: yes.
Comment: Published functional studies suggest a damaging effect: abnormal protein maturation and misprocessing, decreased cAMP-activated currents, and defective channel opening (PMID: 29040544, 9822639, 9736778); Observed with a pathogenic CFTR variant in multiple individuals with CFTR-related disorders in published literature, but it is not known whether the variants occurred on the same (in cis) or on different (in trans) chromosomes (PMID: 34065744, 16478680, 21679131); Classified as a variant of varying clinical consequence in a well-curated database (CFTR2); This variant is associated with the following publications: (PMID: 9822639, 34065744, 16478680, 21679131, 29040544, 9736778, 25489051, 22020151, 11462247, 8406518, 32185651, 23430892, 23974870)

Baylor Genetics
Classification: Pathogenic for Bronchiectasis with or without elevated sweat chloride 1. Last evaluated: 2024-02-20. Review status: criteria provided, single submitter. Criteria: ACMG Guidelines, 2015. Collection method: clinical testing. Allele origin: unknown.

Fulgent Genetics
Classification: Likely pathogenic for Hereditary pancreatitis; Bronchiectasis with or without elevated sweat chloride 1; Cystic fibrosis; Congenital bilateral aplasia of vas deferens from CFTR mutation. Last evaluated: 2024-02-01. Review status: criteria provided, single submitter. Criteria: ACMG Guidelines, 2015. Collection method: clinical testing. Allele origin: germline.

Ambry Genetics
Classification: Pathogenic for Cystic fibrosis. Last evaluated: 2023-10-11. Review status: criteria provided, single submitter. Criteria: Ambry Variant Classification Scheme 2023. Collection method: clinical testing. Allele origin: germline.
Comment: The p.D614G pathogenic mutation (also known as c.1841A>G), located in coding exon 14 of the CFTR gene, results from an A to G substitution at nucleotide position 1841. The aspartic acid at codon 614 is replaced by glycine, an amino acid with similar properties. This mutation has been detected in three individuals from one family with mild CF who also carried the p.F508del pathogenic mutation in trans (Castaldo G et al. J. Cyst. Fibros., 2006 Aug;5:193-5). This alteration has also been detected in individuals with CFTR-related disorders, including CBAVD and pancreatitis (Zielenski J et al. Am. J. Hum. Genet., 1995 Oct;57:958-60; Gomez-Lira M et al. Eur. J. Hum. Genet., 2003 Jul;11:543-6; Amato F et al. J Mol Diagn, 2012 Jan;14:81-9). The p.D614G alteration has been reported as a variant of varying clinical consequences (VVCC) (Sosnay PR et al. Nat. Genet. 2013 Oct; 45(10):1160-7; Sosnay PR et al. Pediatr. Clin. North Am. 2016 Aug;63(4):585-98). In addition, in vitro functional studies have demonstrated this alteration results in decreased chlorine channel activity and abnormal protein processing (Pasyk EA et al. J. Biol. Chem., 1998 Nov;273:31759-64; Vankeerberghen A et al. Hum. Mol. Genet., 1998 Oct;7:1761-9; Sosnay PR et al. Nat. Genet., 2013 Oct;45:1160-7). This amino acid position is highly conserved in available vertebrate species. In addition, this alteration is predicted to be deleterious by in silico analysis. Based on the supporting evidence, this alteration is interpreted as a disease-causing mutation.

NM_000492.4(CFTR):c.1841A>G (p.Asp614Gly)

Gene: CFTR (CF transmembrane conductance regulator; plus strand). Cytogenetic location: 7q31.2.
Variant type: single nucleotide variant.
Coding change: c.1841A>G on transcript NM_000492.4 (MANE Select); coding-DNA position 1841, A replaced by G.
Protein change: p.Asp614Gly; replaces aspartic acid 614 with glycine.
Molecular consequence: missense variant.
Genome position (GRCh38, 1-based): chr7:117,592,008, A>G. VCF-style: chr7-117592008-A-G. GRCh37 (hg19) VCF-style: chr7-117232062-A-G.
Other names: short protein forms D614G.
Identifiers: ClinVar variation 53403 (VCV000053403.39), dbSNP rs201124247, ClinGen allele CA326700.